The following is an entry in ClinVar:

NM_000051.4(ATM):c.1104A>T (p.Gln368His)

Gene: ATM (ATM serine/threonine kinase; plus strand). Cytogenetic location: 11q22.3.
Variant type: single nucleotide variant.
Coding change: c.1104A>T on transcript NM_000051.4 (MANE Select); coding-DNA position 1104, A replaced by T.
Protein change: p.Gln368His; replaces glutamine 368 with histidine.
Molecular consequence: missense variant.
Genome position (GRCh38, 1-based): chr11:108,248,971, A>T. VCF-style: chr11-108248971-A-T. GRCh37 (hg19) VCF-style: chr11-108119698-A-T.
Other names: c.1104A>T, p.Gln368His (NM_001351834.2); short protein forms Q368H.
Identifiers: ClinVar variation 818368 (VCV000818368.4), dbSNP rs560691658, ClinGen allele CA382532392.

ClinVar aggregate classification (germline): Uncertain significance (1 of 4 stars; one submission).

Conditions:
Hereditary cancer-predisposing syndrome. Also called: Tumor predisposition; Hereditary neoplastic syndrome; Neoplastic Syndromes, Hereditary; Hereditary Cancer Syndrome. Identifiers: Orphanet 140162, MedGen C0027672, MeSH D009386, MONDO:0015356.

Submission:

Ambry Genetics
Classification: Uncertain significance for Hereditary cancer-predisposing syndrome. Last evaluated: 2019-11-21. Review status: criteria provided, single submitter. Criteria: Ambry Variant Classification Scheme 2023. Collection method: clinical testing. Allele origin: germline.
Comment: The p.Q368H variant (also known as c.1104A>T), located in coding exon 8 of the ATM gene, results from an A to T substitution at nucleotide position 1104. The glutamine at codon 368 is replaced by histidine, an amino acid with highly similar properties. This amino acid position is highly conserved in available vertebrate species. In addition, this alteration is predicted to be tolerated by in silico analysis. Since supporting evidence is limited at this time, the clinical significance of this alteration remains unclear.